The following is an entry in ClinVar:

ClinVar aggregate classification (germline): Pathogenic/Likely pathogenic. Review status: criteria provided, multiple submitters, no conflicts (2 of 4 stars). 3 submissions from 3 submitters: Pathogenic (1); Likely pathogenic (2). Last evaluated 2026-02-26.

Conditions:
3-methylglutaconic aciduria, type VIIB (MGCA7B). Also called: CLPB Deficiency; 3-methylglutaconic aciduria with cataracts, neurologic involvement and neutropenia; 3-methylglutaconic aciduria, type VII, with cataracts, neurologic involvement and neutropenia. Identifiers: Orphanet 445038, MedGen C5676893, MONDO:0014561, OMIM 616271.
Inborn genetic diseases. Identifiers: MedGen C0950123, MeSH D030342.

Allele frequency attached by ClinVar (database versions not stated): gnomAD exomes below 0.00001.
gnomAD v4.1: 2 of 1,613,918 alleles (0.00012%); highest among the groups gnomAD compares: Admixed American, 0.0017%; no homozygotes.

Submissions (3):

GeneDx
Classification: Likely pathogenic. Last evaluated: 2026-02-26. Review status: criteria provided, single submitter. Criteria: GeneDx Variant Classification Process June 2021. Collection method: clinical testing. Allele origin: germline.
Comment: Reported in the apparent homozygous state in a patient in published literature tested in the neonatal period, but clinical information was not provided for this individual (PMID: 29565416); Not observed at significant frequency in large population cohorts (gnomAD); Canonical splice site variant predicted to result in an in-frame loss of the adjacent exon in a gene for which loss of function is a known mechanism of disease; This variant is associated with the following publications: (PMID: 29565416)

Labcorp Genetics (formerly Invitae), Labcorp
Classification: Likely pathogenic for 3-methylglutaconic aciduria, type VIIB. Last evaluated: 2025-11-08. Review status: criteria provided, single submitter. Criteria: Invitae Variant Classification Sherloc (09022015). Collection method: clinical testing. Allele origin: germline.
Comment: This sequence change affects a donor splice site in intron 9 of the CLPB gene. It is expected to disrupt RNA splicing. Variants that disrupt the donor or acceptor splice site typically lead to a loss of protein function (PMID: 16199547), and loss-of-function variants in CLPB are known to be pathogenic (PMID: 25597510, 28687938). This variant is not present in population databases (gnomAD no frequency). This variant has not been reported in the literature in individuals affected with CLPB-related conditions. ClinVar contains an entry for this variant (Variation ID: 520785). Algorithms developed to predict the effect of sequence changes on RNA splicing suggest that this variant may disrupt the consensus splice site. In summary, the currently available evidence indicates that the variant is pathogenic, but additional data are needed to prove that conclusively. Therefore, this variant has been classified as Likely Pathogenic.

Ambry Genetics
Classification: Pathogenic for Inborn genetic diseases. Last evaluated: 2016-03-31. Review status: criteria provided, single submitter. Criteria: Ambry exome assertion method (8-5-2015). Collection method: clinical testing. Allele origin: germline. Affected: yes. Observed: 1 variant allele.

Literature cited by the submitters: PubMed 16199547 (cited by Labcorp Genetics (formerly Invitae), Labcorp); PubMed 25597510 (cited by Labcorp Genetics (formerly Invitae), Labcorp); PubMed 28687938 (cited by Labcorp Genetics (formerly Invitae), Labcorp).

NM_001258392.3(CLPB):c.1066+1G>A

Gene: CLPB (ClpB family mitochondrial disaggregase; minus strand). Cytogenetic location: 11q13.4.
Variant type: single nucleotide variant.
Coding change: c.1066+1G>A on transcript NM_001258392.3 (MANE Select); the canonical splice donor site of the intron after coding-DNA position 1066, G replaced by A.
Molecular consequence: splice donor variant.
Genome position (GRCh38, 1-based): chr11:72,308,526, C>T on the plus strand (G>A on the coding strand, the complement: CLPB is on the minus strand). VCF-style: chr11-72308526-C-T. GRCh37 (hg19) VCF-style: chr11-72019570-C-T.
Other names: c.979+1G>A (NM_001258393.3); c.1156+1G>A (NM_030813.6); c.1021+1G>A (NM_001258394.3).
Identifiers: ClinVar variation 520785 (VCV000520785.11), dbSNP rs1555087619, ClinGen allele CA381736049.
Genomic context (GRCh38, chr11:72,308,526, plus strand): 5'-AGACTTGGGCCGGGCACTACCCTAGCTCTCTGTCCCCACTGGCTGATCTGCTCCCAATTA[C>T]CTATTCCAGATGATCCCAAGAAGAGGAAGACCAGAGGGTGTTCTTCATCGTACCAGCCAT-3'